The following is an entry in ClinVar:

ClinVar aggregate classification (germline): Pathogenic (1 of 4 stars; one submission).

Submission:

Labcorp Genetics (formerly Invitae), Labcorp
Classification: Pathogenic. Last evaluated: 2022-03-19. Review status: criteria provided, single submitter. Criteria: Invitae Variant Classification Sherloc (09022015). Collection method: clinical testing. Allele origin: germline.
Comment: For these reasons, this variant has been classified as Pathogenic. Algorithms developed to predict the effect of sequence changes on RNA splicing suggest that this variant may disrupt the consensus splice site. This variant has not been reported in the literature in individuals affected with C7-related conditions. This variant is not present in population databases (gnomAD no frequency). This sequence change creates a premature translational stop signal (p.Asn157Ilefs*23) in the C7 gene. It is expected to result in an absent or disrupted protein product. Loss-of-function variants in C7 are known to be pathogenic (PMID: 9856499, 17407100).

Literature cited by the submitters: PubMed 9856499; PubMed 17407100.

NM_000587.4(C7):c.468del (p.Asn157fs)

Gene: C7 (complement C7; plus strand). Cytogenetic location: 5p13.1.
Variant type: Deletion.
Coding change: c.468del on transcript NM_000587.4 (MANE Select); coding-DNA position 468, one base deleted (C; older notation c.468delC).
Protein change: p.Asn157fs; shifts the reading frame from asparagine 157.
Molecular consequence: frameshift variant.
Genome position (GRCh38, 1-based): chr5:40,937,591, C deleted. VCF-style (leftmost placement, unchanged base first): chr5-40937590-TC-T. GRCh37 (hg19) VCF-style: chr5-40937692-TC-T.
Other names: short protein forms N157fs.
Identifiers: ClinVar variation 1460411 (VCV001460411.6), dbSNP rs2111600452, ClinGen allele CA2573139675.